The following is an entry in ClinVar:

ClinVar aggregate classification (germline): Uncertain significance (1 of 4 stars; one submission).

Submission:

Women's Health and Genetics/Laboratory Corporation of America, LabCorp
Classification: Uncertain significance. Last evaluated: 2026-02-09. Review status: criteria provided, single submitter. Criteria: LabCorp Variant Classification Summary - May 2015. Collection method: clinical testing. Allele origin: germline.
Comment: Variant summary: NPHP3 c.2088+5G>A alters a nucleotide located close to a canonical splice site and therefore could affect mRNA splicing, leading to a significantly altered protein sequence. Several computational tools predict a significant impact on normal splicing: Three predict the variant weakens a 5' donor site. However, these predictions have yet to be confirmed by functional studies. The variant was absent in 249974 control chromosomes. The available data on variant occurrences in the general population are insufficient to allow any conclusion about variant significance. c.2088+5G>A has been observed in a heterozygous individual affected with Nephronophthisis (Sun_2016). These report(s) do not provide unequivocal conclusions about association of the variant with Joubert Syndrome And Related Disorders. To our knowledge, no experimental evidence demonstrating an impact on protein function has been reported. The following publication have been ascertained in the context of this evaluation (PMID: 26184788). No submitters have cited clinical-significance assessments for this variant to ClinVar. Based on the evidence outlined above, the variant was classified as uncertain significance.

Literature cited by the submitters: PubMed 26184788.

NM_153240.5(NPHP3):c.2088+5G>A

Genes: NPHP3 (nephrocystin 3; minus strand), NPHP3-ACAD11 (NPHP3-ACAD11 readthrough (NMD candidate); minus strand). Cytogenetic location: 3q22.1.
Variant type: single nucleotide variant.
Coding change: c.2088+5G>A on transcript NM_153240.5 (MANE Select); 5 bases into the intron after coding-DNA position 2088, G replaced by A.
Molecular consequence: intron variant.
Genome position (GRCh38, 1-based): chr3:132,697,255, C>T on the plus strand (G>A on the coding strand, the complement: NPHP3 is on the minus strand). VCF-style: chr3-132697255-C-T. GRCh37 (hg19) VCF-style: chr3-132416099-C-T.
Identifiers: ClinVar variation 4847954 (VCV004847954.1).